The following is an entry in ClinVar:

ClinVar aggregate classification (germline): Uncertain significance. Review status: criteria provided, multiple submitters, no conflicts (2 of 4 stars). 2 submissions from 2 submitters: Uncertain significance (2). Last evaluated 2025-08-26.

Conditions:
Inborn genetic diseases. Identifiers: MedGen C0950123, MeSH D030342.
Microcephaly-intellectual disability-sensorineural hearing loss-epilepsy-abnormal muscle tone syndrome (NEDHSB). Also called: NEURODEVELOPMENTAL DISORDER WITH HEARING LOSS, SEIZURES, AND BRAIN ABNORMALITIES. Identifiers: Orphanet 457351, MedGen C4225276, MONDO:0014698, OMIM 616577.

Allele frequency attached by ClinVar (database versions not stated): TOPMed 0.00003; ESP Exome Variant Server 0.00008.
gnomAD v4.1: 32 of 1,614,026 alleles (0.002%); highest among the groups gnomAD compares: Non-Finnish European, 0.0025%; no homozygotes.

Submissions (2):

Ambry Genetics
Classification: Uncertain significance for Inborn genetic diseases. Last evaluated: 2025-08-26. Review status: criteria provided, single submitter. Criteria: Ambry Variant Classification Scheme 2023. Collection method: clinical testing. Allele origin: germline.

Labcorp Genetics (formerly Invitae), Labcorp
Classification: Uncertain significance for Microcephaly-intellectual disability-sensorineural hearing loss-epilepsy-abnormal muscle tone syndrome. Last evaluated: 2020-09-30. Review status: criteria provided, single submitter. Criteria: Invitae Variant Classification Sherloc (09022015). Collection method: clinical testing. Allele origin: germline.
Comment: In summary, the available evidence is currently insufficient to determine the role of this variant in disease. Therefore, it has been classified as a Variant of Uncertain Significance. Algorithms developed to predict the effect of missense changes on protein structure and function (SIFT, PolyPhen-2, Align-GVGD) all suggest that this variant is likely to be tolerated, but these predictions have not been confirmed by published functional studies and their clinical significance is uncertain. This variant has not been reported in the literature in individuals with SPATA5-related conditions. ClinVar contains an entry for this variant (Variation ID: 950424). This variant is present in population databases (rs373156651, ExAC 0.01%). This sequence change replaces glutamine with glutamic acid at codon 604 of the SPATA5 protein (p.Gln604Glu). The glutamine residue is highly conserved and there is a small physicochemical difference between glutamine and glutamic acid.

NM_145207.3(AFG2A):c.1810C>G (p.Gln604Glu)

Gene: AFG2A (AAA ATPase AFG2A; plus strand). Cytogenetic location: 4q28.1.
Variant type: single nucleotide variant.
Coding change: c.1810C>G on transcript NM_145207.3 (MANE Select); coding-DNA position 1810, C replaced by G.
Protein change: p.Gln604Glu; replaces glutamine 604 with glutamic acid.
Molecular consequence: missense variant.
Genome position (GRCh38, 1-based): chr4:122,979,327, C>G. VCF-style: chr4-122979327-C-G. GRCh37 (hg19) VCF-style: chr4-123900482-C-G.
Other names: c.1807C>G, p.Gln603Glu (NM_001317799.2, NM_001345856.2); short protein forms Q603E, Q604E.
Identifiers: ClinVar variation 950424 (VCV000950424.6), dbSNP rs373156651, ClinGen allele CA3070550.